The following is an entry in ClinVar:

ClinVar aggregate classification (germline): Uncertain significance (1 of 4 stars; one submission).

Conditions:
CFI-related disorder. Also called: CFI-related condition; CFI-related disorders. Identifiers: MedGen CN239325.

Submission:

Genomenon, Inc
Classification: Uncertain significance for CFI-related disorder. Last evaluated: 2025-09-26. Review status: criteria provided, single submitter. Criteria: Genomenon Sequence Variant Interpretation Standards - Updated. Collection method: curation. Allele origin: germline. Affected: no.
Comment: CFI p.Lys111Gln (c.331A>C) is a missense variant that changes the amino acid at residue 111 from Lysine to Glutamine. To our knowledge, this variant has not been reported in patients affected with CFI-related disorders in the published literature. Functional studies have been reported; however, the significance of the findings remain unclear (20044478). It is absent or not present at a significant frequency in gnomAD. In silico models agree that this variant is not damaging. In conclusion, we classify CFI p.Lys111Gln (c.331A>C) as a variant of unknown significance.

NM_000204.5(CFI):c.331A>C (p.Lys111Gln)

Gene: CFI (complement factor I; minus strand). Cytogenetic location: 4q25.
Variant type: single nucleotide variant.
Coding change: c.331A>C on transcript NM_000204.5 (MANE Select); coding-DNA position 331, A replaced by C.
Protein change: p.Lys111Gln; replaces lysine 111 with glutamine.
Molecular consequence: missense variant. On other transcripts: non-coding transcript variant (3), intron variant (1).
Genome position (GRCh38, 1-based): chr4:109,764,688, T>G on the plus strand (A>C on the coding strand, the complement: CFI is on the minus strand). VCF-style: chr4-109764688-T-G. GRCh37 (hg19) VCF-style: chr4-110685844-T-G.
Other names: c.331A>C, p.Lys111Gln (NM_001318057.2, NM_001331035.2, NM_001375278.1 and 10 more transcripts); c.-127-2996A>C (NM_001375284.1); short protein forms K111Q.
Identifiers: ClinVar variation 4280500 (VCV004280500.1).